The following is an entry in ClinVar:

NM_023036.6(DNAI2):c.41T>G (p.Phe14Cys)

Gene: DNAI2 (dynein axonemal intermediate chain 2; plus strand). Cytogenetic location: 17q25.1.
Variant type: single nucleotide variant.
Coding change: c.41T>G on transcript NM_023036.6 (MANE Select); coding-DNA position 41, T replaced by G.
Protein change: p.Phe14Cys; replaces phenylalanine 14 with cysteine.
Molecular consequence: missense variant. On other transcripts: non-coding transcript variant (1).
Genome position (GRCh38, 1-based): chr17:74,281,858, T>G. VCF-style: chr17-74281858-T-G. GRCh37 (hg19) VCF-style: chr17-72277997-T-G.
Other names: c.41T>G, p.Phe14Cys (NM_001172810.3, NM_001353167.2); short protein forms F14C.
Identifiers: ClinVar variation 4629344 (VCV004629344.3).

ClinVar aggregate classification (germline): Uncertain significance. Review status: criteria provided, multiple submitters, no conflicts (2 of 4 stars). 2 submissions from 2 submitters: Uncertain significance (2). Last evaluated 2025-12-11.

Conditions:
Primary ciliary dyskinesia 9. Also called: CILIARY DYSKINESIA, PRIMARY, 9, WITH OR WITHOUT SITUS INVERSUS. Identifiers: Orphanet 244, MedGen C2676235, MONDO:0012906, OMIM 612444.
Primary ciliary dyskinesia. Also called: Ciliary dyskinesia. Identifiers: Orphanet 244, MedGen C0008780, MONDO:0016575, HP:0012265.

gnomAD v4.1: 4 of 1,613,804 alleles (0.00025%); highest among the groups gnomAD compares: East Asian, 0.0067%; no homozygotes.

Submissions (2):

Ambry Genetics
Classification: Uncertain significance for Primary ciliary dyskinesia. Last evaluated: 2025-12-11. Review status: criteria provided, single submitter. Criteria: Ambry Variant Classification Scheme 2023. Collection method: clinical testing. Allele origin: germline.

Juno Genomics, Hangzhou Juno Genomics, Inc
Classification: Uncertain significance for Primary ciliary dyskinesia 9. Review status: criteria provided, single submitter. Criteria: ACMG Guidelines, 2015. Collection method: clinical testing. Allele origin: germline.
Comment: Absent from controls (or at extremely low frequency if recessive) in Genome Aggregation Database.;Multiple lines of computational evidence support a deleterious effect on the gene or gene product.